The following is an entry in ClinVar:

ClinVar aggregate classification (germline): Conflicting classifications of pathogenicity. Review status: criteria provided, conflicting classifications (1 of 4 stars). 5 submissions from 5 submitters: Uncertain significance (4); Likely benign (1). Last evaluated 2024-07-29.

Conditions:
Cardiovascular phenotype. Identifiers: MedGen CN230736.
Hereditary cancer-predisposing syndrome. Also called: Neoplastic Syndromes, Hereditary; Hereditary Cancer Syndrome; Tumor predisposition; Hereditary neoplastic syndrome. Identifiers: Orphanet 140162, MedGen C0027672, MeSH D009386, MONDO:0015356.
Neurofibromatosis, familial spinal (FSNF). Identifiers: Orphanet 636, MedGen C1834235, MONDO:0008078, OMIM 162210. Disease mechanism: loss of function.
Juvenile myelomonocytic leukemia (JMML). Also called: LEUKEMIA, JUVENILE MYELOMONOCYTIC, SOMATIC. Identifiers: Orphanet 86834, MedGen C0349639, MONDO:0011908, OMIM 607785, HP:0012209.
Neurofibromatosis, type 1 (NF1). Also called: Peripheral type neurofibromatosis; VON RECKLINGHAUSEN DISEASE; NEUROFIBROMATOSIS, TYPE I, SOMATIC; Neurofibromatosis, type I. Identifiers: Orphanet 636, MedGen C0027831, MONDO:0018975, OMIM 162200. Disease mechanism: loss of function.
Neurofibromatosis-Noonan syndrome (NFNS). Also called: NEUROFIBROMATOSIS WITH NOONAN PHENOTYPE. Identifiers: Orphanet 638, MedGen C2931482, MONDO:0011035, OMIM 601321. Disease mechanism: loss of function.
Café-au-lait macules with pulmonary stenosis (WTSN). Also called: PULMONIC STENOSIS WITH CAFE-AU-LAIT SPOTS. Identifiers: MedGen C0553586, MONDO:0008672, OMIM 193520.

Allele frequency attached by ClinVar (database versions not stated): gnomAD exomes below 0.00001.
gnomAD v4.1: 1 of 1,613,868 alleles (0.000062%); highest among the groups gnomAD compares: East Asian, 0.0022%; no homozygotes.

Submissions (5):

Ambry Genetics
Classification: Likely benign for Cardiovascular phenotype; Hereditary cancer-predisposing syndrome. Last evaluated: 2024-07-29. Review status: criteria provided, single submitter. Criteria: Ambry Variant Classification Scheme 2023. Collection method: clinical testing. Allele origin: germline.

Labcorp Genetics (formerly Invitae), Labcorp
Classification: Uncertain significance for Neurofibromatosis, type 1. Last evaluated: 2024-05-06. Review status: criteria provided, single submitter. Criteria: Invitae Variant Classification Sherloc (09022015). Collection method: clinical testing. Allele origin: germline.
Comment: This sequence change replaces asparagine, which is neutral and polar, with histidine, which is basic and polar, at codon 736 of the NF1 protein (p.Asn736His). This variant is not present in population databases (gnomAD no frequency). This variant has not been reported in the literature in individuals affected with NF1-related conditions. ClinVar contains an entry for this variant (Variation ID: 583291). Advanced modeling of protein sequence and biophysical properties (such as structural, functional, and spatial information, amino acid conservation, physicochemical variation, residue mobility, and thermodynamic stability) performed at Invitae indicates that this missense variant is not expected to disrupt NF1 protein function with a negative predictive value of 95%. In summary, the available evidence is currently insufficient to determine the role of this variant in disease. Therefore, it has been classified as a Variant of Uncertain Significance.

Fulgent Genetics
Classification: Uncertain significance for Neurofibromatosis, type 1; Neurofibromatosis, familial spinal; Café-au-lait macules with pulmonary stenosis; Neurofibromatosis-Noonan syndrome; Juvenile myelomonocytic leukemia. Last evaluated: 2024-04-30. Review status: criteria provided, single submitter. Criteria: ACMG Guidelines, 2015. Collection method: clinical testing. Allele origin: germline.

Baylor Genetics
Classification: Uncertain significance for Juvenile myelomonocytic leukemia. Last evaluated: 2023-12-26. Review status: criteria provided, single submitter. Criteria: ACMG Guidelines, 2015. Collection method: clinical testing. Allele origin: unknown.

Genome-Nilou Lab
Classification: Uncertain significance for Neurofibromatosis, type 1. Last evaluated: 2022-03-15. Review status: criteria provided, single submitter. Criteria: ACMG Guidelines, 2015. Collection method: clinical testing. Allele origin: germline. Affected: no.

NM_001042492.3(NF1):c.2206A>C (p.Asn736His)

Gene: NF1 (neurofibromin 1; plus strand). Cytogenetic location: 17q11.2.
Variant type: single nucleotide variant.
Coding change: c.2206A>C on transcript NM_001042492.3 (MANE Select); coding-DNA position 2206, A replaced by C.
Protein change: p.Asn736His; replaces asparagine 736 with histidine.
Molecular consequence: missense variant.
Genome position (GRCh38, 1-based): chr17:31,226,639, A>C. VCF-style: chr17-31226639-A-C. GRCh37 (hg19) VCF-style: chr17-29553657-A-C.
Other names: c.2206A>C, p.Asn736His (NM_000267.4); short protein forms N736H.
Identifiers: ClinVar variation 583291 (VCV000583291.16), dbSNP rs1567847621, ClinGen allele CA398982490.